The following is an entry in ClinVar:

NM_014363.6(SACS):c.8012A>G (p.Asp2671Gly)

Gene: SACS (sacsin molecular chaperone; minus strand). Cytogenetic location: 13q12.12.
Variant type: single nucleotide variant.
Coding change: c.8012A>G on transcript NM_014363.6 (MANE Select); coding-DNA position 8012, A replaced by G.
Protein change: p.Asp2671Gly; replaces aspartic acid 2671 with glycine.
Molecular consequence: missense variant.
Genome position (GRCh38, 1-based): chr13:23,335,864, T>C on the plus strand (A>G on the coding strand, the complement: SACS is on the minus strand). VCF-style: chr13-23335864-T-C. GRCh37 (hg19) VCF-style: chr13-23910003-T-C.
Other names: c.7571A>G, p.Asp2524Gly (NM_001278055.2); short protein forms D2524G, D2671G.
Identifiers: ClinVar variation 1508484 (VCV001508484.8), dbSNP rs373785542, ClinGen allele CA6910832.

ClinVar aggregate classification (germline): Uncertain significance (1 of 4 stars; one submission).

Conditions:
Spastic paraplegia. Identifiers: MedGen C0037772, HP:0001258.

Allele frequency attached by ClinVar (database versions not stated): gnomAD exomes below 0.00001 and 0.00001; ExAC 0.00002; ESP Exome Variant Server 0.00008.
gnomAD v4.1: 1 of 1,613,950 alleles (0.000062%); highest among the groups gnomAD compares: Non-Finnish European, 0.000085%; no homozygotes.

Submission:

Labcorp Genetics (formerly Invitae), Labcorp
Classification: Uncertain significance for Spastic paraplegia. Last evaluated: 2021-02-08. Review status: criteria provided, single submitter. Criteria: Invitae Variant Classification Sherloc (09022015). Collection method: clinical testing. Allele origin: germline.
Comment: Algorithms developed to predict the effect of missense changes on protein structure and function are either unavailable or do not agree on the potential impact of this missense change (SIFT: "Deleterious"; PolyPhen-2: "Probably Damaging"; Align-GVGD: "Class C0"). This sequence change replaces aspartic acid with glycine at codon 2671 of the SACS protein (p.Asp2671Gly). The aspartic acid residue is moderately conserved and there is a moderate physicochemical difference between aspartic acid and glycine. This variant is present in population databases (rs373785542, ExAC 0.01%). This variant has not been reported in the literature in individuals with SACS-related conditions. In summary, the available evidence is currently insufficient to determine the role of this variant in disease. Therefore, it has been classified as a Variant of Uncertain Significance.